The following is an entry in ClinVar:

ClinVar aggregate classification (germline): Benign. Review status: criteria provided, multiple submitters, no conflicts (2 of 4 stars). 6 submissions from 5 submitters: Benign (6). Last evaluated 2026-02-01.

Conditions:
Cutis laxa. Identifiers: Orphanet 209, MedGen C0010495, MONDO:0016175, HP:0000973.
Macular degeneration, age-related, 3 (ARMD3). Identifiers: Orphanet 280598, MedGen C1837187, MONDO:0012145, OMIM 608895.

Allele frequency attached by ClinVar (database versions not stated): gnomAD exomes 0.00135 and 0.00341; ExAC 0.00414; gnomAD 0.01253 and 0.01336; TOPMed 0.01408; ESP Exome Variant Server 0.01422; 1000 Genomes Project 0.01757; 1000 Genomes Project 30x 0.01968.
gnomAD v4.1: 3,952 of 1,614,058 alleles (0.24%); highest among the groups gnomAD compares: African/African-American, 4.5%; 84 homozygotes.

Submissions (6):

Labcorp Genetics (formerly Invitae), Labcorp
Classification: Benign. Last evaluated: 2026-02-01. Review status: criteria provided, single submitter. Criteria: Invitae Variant Classification Sherloc (09022015). Collection method: clinical testing. Allele origin: germline.

ARUP Laboratories, Molecular Genetics and Genomics, ARUP Laboratories
Classification: Benign. Last evaluated: 2025-07-01. Review status: criteria provided, single submitter. Criteria: ARUP Molecular Germline Variant Investigation Process 2024. Collection method: clinical testing. Allele origin: germline.

Illumina Laboratory Services, Illumina
Classification: Benign for Macular degeneration, age-related, 3. Last evaluated: 2018-01-12. Review status: criteria provided, single submitter. Criteria: ICSL Variant Classification Criteria 13 December 2019. Collection method: clinical testing. Allele origin: germline.
Comment: This variant was observed in the ICSL laboratory as part of a predisposition screen in an ostensibly healthy population. It had not been previously curated by ICSL or reported in the Human Gene Mutation Database (HGMD: prior to June 1st, 2018), and was therefore a candidate for classification through an automated scoring system. Utilizing variant allele frequency, disease prevalence and penetrance estimates, and inheritance mode, an automated score was calculated to assess if this variant is too frequent to cause the disease. Based on the score and internal cut-off values, a variant classified as benign is not then subjected to further curation. The score for this variant resulted in a classification of benign for this disease.

Illumina Laboratory Services, Illumina
Classification: Benign for Cutis laxa. Last evaluated: 2018-01-12. Review status: criteria provided, single submitter. Criteria: ICSL Variant Classification Criteria 13 December 2019. Collection method: clinical testing. Allele origin: germline.
Comment: the same text as in the submission from Illumina Laboratory Services, Illumina above.

GeneDx
Classification: Benign. Last evaluated: 2016-12-21. Review status: criteria provided, single submitter. Criteria: GeneDx Variant Classification (06012015). Collection method: clinical testing. Allele origin: germline. Affected: yes.
Comment: This variant is considered likely benign or benign based on one or more of the following criteria: it is a conservative change, it occurs at a poorly conserved position in the protein, it is predicted to be benign by multiple in silico algorithms, and/or has population frequency not consistent with disease.

Laboratory for Molecular Medicine, Mass General Brigham Personalized Medicine
Classification: Benign. Last evaluated: 2013-02-21. Review status: criteria provided, single submitter. Criteria: LMM Criteria. Collection method: clinical testing. Allele origin: germline. Observed: 1 variant allele.
Comment: 863-13C>T in intron 8 of FBLN5: This variant is not expected to have clinical si gnificance because it has been identified in 4.2% (185/4406) of African American chromosomes from a broad population by the NHLBI Exome Sequencing Project (dbSNP rs74071606).

NM_006329.4(FBLN5):c.863-13C>T

Gene: FBLN5 (fibulin 5; minus strand). Cytogenetic location: 14q32.12.
Variant type: single nucleotide variant.
Coding change: c.863-13C>T on transcript NM_006329.4 (MANE Select); 13 bases into the intron before coding-DNA position 863, C replaced by T.
Molecular consequence: intron variant.
Genome position (GRCh38, 1-based): chr14:91,881,431, G>A on the plus strand (C>T on the coding strand, the complement: FBLN5 is on the minus strand). VCF-style: chr14-91881431-G-A. GRCh37 (hg19) VCF-style: chr14-92347775-G-A.
Other names: c.863-13C>T (NM_001384160.1); c.986-13C>T (NM_001384158.1); c.695-13C>T (NM_001384162.1, NM_001384161.1); c.914-13C>T (NM_001384159.1).
Identifiers: ClinVar variation 163456 (VCV000163456.25), dbSNP rs74071606, ClinGen allele CA176110.